The following is an entry in ClinVar:

NM_015909.4(NBAS):c.5686G>T (p.Val1896Leu)

Gene: NBAS (NBAS subunit of NRZ tethering complex; minus strand). Cytogenetic location: 2p24.3.
Variant type: single nucleotide variant.
Coding change: c.5686G>T on transcript NM_015909.4 (MANE Select); coding-DNA position 5686, G replaced by T.
Protein change: p.Val1896Leu; replaces valine 1896 with leucine.
Molecular consequence: missense variant. On other transcripts: non-coding transcript variant (1).
Genome position (GRCh38, 1-based): chr2:15,275,522, C>A on the plus strand (G>T on the coding strand, the complement: NBAS is on the minus strand). VCF-style: chr2-15275522-C-A. GRCh37 (hg19) VCF-style: chr2-15415646-C-A.
Other names: short protein forms V1896L.
Identifiers: ClinVar variation 1956688 (VCV001956688.5), dbSNP rs2528114400, ClinGen allele CA345882069.

ClinVar aggregate classification (germline): Uncertain significance (1 of 4 stars; one submission).

Submission:

Labcorp Genetics (formerly Invitae), Labcorp
Classification: Uncertain significance. Last evaluated: 2022-07-03. Review status: criteria provided, single submitter. Criteria: Invitae Variant Classification Sherloc (09022015). Collection method: clinical testing. Allele origin: germline.
Comment: This variant has not been reported in the literature in individuals affected with NBAS-related conditions. In summary, the available evidence is currently insufficient to determine the role of this variant in disease. Therefore, it has been classified as a Variant of Uncertain Significance. Algorithms developed to predict the effect of missense changes on protein structure and function output the following: SIFT: "Deleterious"; PolyPhen-2: "Benign"; Align-GVGD: "Class C25". The leucine amino acid residue is found in multiple mammalian species, which suggests that this missense change does not adversely affect protein function. This variant is not present in population databases (gnomAD no frequency). This sequence change replaces valine, which is neutral and non-polar, with leucine, which is neutral and non-polar, at codon 1896 of the NBAS protein (p.Val1896Leu).